The following is an entry in ClinVar:

NM_000492.4(CFTR):c.3717G>T (p.Arg1239Ser)

Genes: CFTR (CF transmembrane conductance regulator; plus strand), CFTR-AS2 (CFTR antisense RNA 2; minus strand). Cytogenetic location: 7q31.2.
Variant type: single nucleotide variant.
Coding change: c.3717G>T on transcript NM_000492.4 (MANE Select); coding-DNA position 3717, G replaced by T.
Protein change: p.Arg1239Ser; replaces arginine 1239 with serine.
Molecular consequence: missense variant.
Genome position (GRCh38, 1-based): chr7:117,627,770, G>T. VCF-style: chr7-117627770-G-T. GRCh37 (hg19) VCF-style: chr7-117267824-G-T.
Other names: short protein forms R1239S.
Identifiers: ClinVar variation 3231896 (VCV003231896.1), dbSNP rs144781064, ClinGen allele CA368997619.

ClinVar aggregate classification (germline): Uncertain significance (1 of 4 stars; one submission).

Conditions:
Cystic fibrosis (CF). Also called: MUCOVISCIDOSIS. Identifiers: Orphanet 586, MedGen C0010674, MONDO:0009061, OMIM 219700. Disease mechanism: loss of function.

Submission:

Ambry Genetics
Classification: Uncertain significance for Cystic fibrosis. Last evaluated: 2024-02-02. Review status: criteria provided, single submitter. Criteria: Ambry Variant Classification Scheme 2023. Collection method: clinical testing. Allele origin: germline.
Comment: The c.3717G>T variant (also known as p.R1239S), located in coding exon 22 of the CFTR gene, results from a G to T substitution at nucleotide position 3717. The amino acid change results in arginine to serine at codon 1239, an amino acid with dissimilar properties. However, this change occurs in the last base pair of coding exon 22, which makes it likely to have some effect on normal mRNA splicing. This variant was reported in conjunction with p.F508del in one individual with pancreatic insufficient cystic fibrosis; however, phase information was not provided (Sugunaraj JP et al. NPJ Genom Med, 2019 Sep;4:21). A minigene assay in HEK293T cells showed abnormal splicing with a truncated protein; however, specific details were not provided (Joynt AT et al. PLoS Genet, 2020 Oct;16:e1009100). This nucleotide position is highly conserved in available vertebrate species. This amino acid position is highly conserved in available vertebrate species. In silico splice site analysis predicts that this alteration will weaken the native splice donor site. In addition, as a missense substitution this is predicted to be inconclusive by in silico analysis. Based on the available evidence, the clinical significance of this alteration remains unclear.

Literature cited by the submitters: PubMed 31508243; PubMed 33085659.